The following is an entry in ClinVar:

NM_016373.4(WWOX):c.1180G>A (p.Ala394Thr)

Genes: MAF (MAF bZIP transcription factor; minus strand), WWOX (WW domain containing oxidoreductase; plus strand). Cytogenetic location: 16q23.2.
Variant type: single nucleotide variant.
Coding change: c.1180G>A on transcript NM_016373.4 (MANE Select); coding-DNA position 1180, G replaced by A.
Protein change: p.Ala394Thr; replaces alanine 394 with threonine.
Molecular consequence: missense variant.
Genome position (GRCh38, 1-based): chr16:79,211,731, G>A. VCF-style: chr16-79211731-G-A. GRCh37 (hg19) VCF-style: chr16-79245628-G-A.
Other names: c.841G>A, p.Ala281Thr (NM_001291997.2); short protein forms A394T, A281T.
Identifiers: ClinVar variation 567630 (VCV000567630.9), dbSNP rs767286260, ClinGen allele CA8183779.
Genomic context (GRCh38, chr16:79,211,731, plus strand): 5'-ATGTACTTCAACAACTGCTGCCGCTGCATGCCCTCACCAGAAGCTCAGAGCGAAGAGACG[G>A]CCCGGACCCTGTGGGCGCTCAGCGAGAGGCTGATCCAAGAACGGCTTGGCAGCCAGTCCG-3'
Protein context (NP_057457.1, residues 384-404): PSPEAQSEET[Ala394Thr]RTLWALSERL

ClinVar aggregate classification (germline): Uncertain significance. Review status: criteria provided, multiple submitters, no conflicts (2 of 4 stars). 3 submissions from 3 submitters: Uncertain significance (3). Last evaluated 2022-09-23.

Conditions:
Developmental and epileptic encephalopathy, 1 (DEE1). Also called: X-linked infantile spasms; West's syndrome; Tonic spasms with clustering, arrest of psychomotor development and hypsarrhythmia on EEG; X-Linked Infantile Spasm Syndrome; OHTAHARA SYNDROME, X-LINKED; INFANTILE SPASM SYNDROME, X-LINKED 1. Identifiers: MedGen C3463992, MONDO:0010632, OMIM 308350. Disease mechanism: loss of function.
Autosomal recessive spinocerebellar ataxia 12. Also called: SPINOCEREBELLAR ATAXIA WITH MENTAL RETARDATION AND EPILEPSY. Identifiers: Orphanet 284282, MedGen C3280452, MONDO:0013687, OMIM 614322.

Allele frequency attached by ClinVar (database versions not stated): ExAC 0.00002; TOPMed 0.00006.
gnomAD v4.1: 20 of 1,614,088 alleles (0.0012%); highest among the groups gnomAD compares: Admixed American, 0.022%; no homozygotes.

Submissions (3):

Labcorp Genetics (formerly Invitae), Labcorp
Classification: Uncertain significance for Developmental and epileptic encephalopathy, 1; Autosomal recessive spinocerebellar ataxia 12. Last evaluated: 2022-09-23. Review status: criteria provided, single submitter. Criteria: Invitae Variant Classification Sherloc (09022015). Collection method: clinical testing. Allele origin: germline.
Comment: This sequence change replaces alanine, which is neutral and non-polar, with threonine, which is neutral and polar, at codon 394 of the WWOX protein (p.Ala394Thr). This variant is present in population databases (rs767286260, gnomAD 0.01%). This variant has not been reported in the literature in individuals affected with WWOX-related conditions. ClinVar contains an entry for this variant (Variation ID: 567630). Advanced modeling of protein sequence and biophysical properties (such as structural, functional, and spatial information, amino acid conservation, physicochemical variation, residue mobility, and thermodynamic stability) has been performed at Invitae for this missense variant, however the output from this modeling did not meet the statistical confidence thresholds required to predict the impact of this variant on WWOX protein function. In summary, the available evidence is currently insufficient to determine the role of this variant in disease. Therefore, it has been classified as a Variant of Uncertain Significance.

Blueprint Genetics
Classification: Uncertain significance. Last evaluated: 2022-04-12. Review status: criteria provided, single submitter. Criteria: ACMG Guidelines, 2015. Collection method: clinical testing. Allele origin: germline.

Athena Diagnostics
Classification: Uncertain significance. Last evaluated: 2022-03-03. Review status: criteria provided, single submitter. Criteria: Athena Diagnostics Criteria. Collection method: clinical testing. Allele origin: unknown.